The following is an entry in ClinVar:

NM_182947.4(ARHGEF25):c.657-7C>A

Gene: ARHGEF25 (Rho guanine nucleotide exchange factor 25; plus strand). Cytogenetic location: 12q13.3.
Variant type: single nucleotide variant.
Coding change: c.657-7C>A on transcript NM_182947.4 (MANE Select); 7 bases into the intron before coding-DNA position 657, C replaced by A.
Molecular consequence: intron variant.
Genome position (GRCh38, 1-based): chr12:57,614,324, C>A. VCF-style: chr12-57614324-C-A. GRCh37 (hg19) VCF-style: chr12-58008107-C-A.
Other names: c.774-7C>A (NM_001111270.3); c.657-7C>A (NM_001347933.2).
Identifiers: ClinVar variation 161847 (VCV000161847.2), dbSNP rs193921117, ClinGen allele CA174900.
Genomic context (GRCh38, chr12:57,614,324, plus strand): 5'-CTGGGAGTGGGCGAGGTGGGGGTTGTGAAATGTATTTGACCTGCTGCTTCTCTACCAACC[C>A]CTCCAGCTATTTCTTGCAAGAGCTACAACGGTGTCTGAAAGATCCTGATTGGCTGGCTCA-3'

ClinVar aggregate classification (germline): Uncertain significance (0 of 4 stars; one submission).

Conditions:
Prostate cancer. Also called: Malignant tumor of prostate. Identifiers: Orphanet 1331, MedGen C0376358, MONDO:0008315, HP:0012125.

Submission:

Science for Life laboratory,  Karolinska Institutet
Classification: Uncertain significance for Malignant tumor of prostate. Review status: no assertion criteria provided. Collection method: not provided. Allele origin: somatic.
Comment: TumorID:SWE-92A
ClinVar note: Converted during submission from Unknown to Uncertain significance.